The following is an entry in ClinVar:

NM_001384140.1(PCDH15):c.4809_4827dup (p.Ser1610fs)

Gene: PCDH15 (protocadherin related 15; minus strand). Cytogenetic location: 10q21.1.
Variant type: Duplication.
Coding change: c.4809_4827dup on transcript NM_001384140.1 (MANE Select); coding-DNA positions 4809 to 4827, 19 bases duplicated (ATATATTGCACAGAATGGT).
Protein change: p.Ser1610fs; shifts the reading frame from serine 1610.
Molecular consequence: frameshift variant.
Genome position (GRCh38, 1-based): chr10:53,806,975-53,806,993, ACCATTCTGTGCAATATAT duplicated on the plus strand (ATATATTGCACAGAATGGT on the coding strand, the reverse complement: PCDH15 is on the minus strand); duplicating any 19 consecutive bases within chr10:53,806,975-53,806,994 gives the same sequence; the c. name uses the placement nearest the transcript's 3' end. VCF-style (leftmost placement, unchanged base first): chr10-53806974-A-AACCATTCTGTGCAATATAT. GRCh37 (hg19) VCF-style: chr10-55566734-A-AACCATTCTGTGCAATATAT.
Other names: c.4635_4653dup, p.Ser1552fs (NM_001142771.2); c.4620_4638dup, p.Ser1547fs (NM_001142772.2); c.4614_4632dup, p.Ser1545fs (NM_001354420.2); c.4743_4761dup, p.Ser1588fs (NM_001354429.2); short protein forms S1545fs, S1547fs, S1552fs, S1588fs, S1610fs.
Identifiers: ClinVar variation 3250392 (VCV003250392.1), dbSNP rs2492076748.

ClinVar aggregate classification (germline): Pathogenic (1 of 4 stars; one submission).

Conditions:
Usher syndrome type 1F (USH1F). Also called: USHER SYNDROME, TYPE IF. Identifiers: Orphanet 231169, Orphanet 886, MedGen C1865885, MONDO:0011186, OMIM 602083.

Submission:

Laboratory of Prof. Karen Avraham, Tel Aviv University
Classification: Pathogenic for Usher syndrome type 1F. Last evaluated: 2024-06-04. Review status: criteria provided, single submitter. Criteria: ACMG Guidelines, 2015. Collection method: research. Allele origin: germline. Affected: yes. Observed: 1 variant allele.
Comment: This variant is located in one isoform of the gene in an extra exon (39). Another frameshift variant around the same location is classified in ClinVar as pathogenic

USH1F; sloping audiogram, mild-to-profound HL